The following is an entry in ClinVar:

NM_014717.3(ZNF536):c.1930dup (p.His644fs)

Gene: ZNF536 (zinc finger protein 536; plus strand). Cytogenetic location: 19q12.
Variant type: Duplication.
Coding change: c.1930dup on transcript NM_014717.3 (MANE Select); coding-DNA position 1930, one base duplicated (C; older notation c.1930dupC).
Protein change: p.His644fs; shifts the reading frame from histidine 644.
Molecular consequence: frameshift variant.
Genome position (GRCh38, 1-based): chr19:30,445,492, C duplicated; the last of 2 consecutive C bases (chr19:30,445,491-30,445,492); duplicating either gives the same sequence. VCF-style (leftmost placement, unchanged base first): chr19-30445490-A-AC. GRCh37 (hg19) VCF-style: chr19-30936397-A-AC.
Other names: c.1930dup, p.His644fs (NM_001352260.2, NM_001376110.1, NM_001376111.1 and 1 more transcripts); short protein forms H644fs.
Identifiers: ClinVar variation 5017566 (VCV005017566.1).

ClinVar aggregate classification (germline): Uncertain significance (1 of 4 stars; one submission).

Submission:

GeneDx
Classification: Uncertain significance. Last evaluated: 2026-03-25. Review status: criteria provided, single submitter. Criteria: GeneDx Variant Classification Process June 2021. Collection method: clinical testing. Allele origin: germline.
Comment: Not observed at significant frequency in large population cohorts (gnomAD); Has not been previously published as pathogenic or benign to our knowledge; Frameshift variant predicted to result in protein truncation or nonsense mediated decay in a gene or region of a gene for which loss of function is not a well-established mechanism of disease; Variants in candidate genes are classified as variants of uncertain significance in accordance with ACMG guidelines (PMID: 25741868)